The following is an entry in ClinVar:

NM_001134382.3(IQSEC1):c.942C>T (p.Thr314=)

Gene: IQSEC1 (IQ motif and Sec7 domain ArfGEF 1; minus strand). Cytogenetic location: 3p25.2.
Variant type: single nucleotide variant.
Coding change: c.942C>T on transcript NM_001134382.3 (MANE Select); coding-DNA position 942, C replaced by T.
Protein change: p.Thr314=; no amino-acid change (threonine 314 retained).
Molecular consequence: synonymous variant.
Genome position (GRCh38, 1-based): chr3:12,936,074, G>A on the plus strand (C>T on the coding strand, the complement: IQSEC1 is on the minus strand). VCF-style: chr3-12936074-G-A. GRCh37 (hg19) VCF-style: chr3-12977574-G-A.
Other names: c.618C>T, p.Thr206= (NM_001330619.3); c.1266C>T, p.Thr422= (NM_001376938.2); c.984C>T, p.Thr328= (NM_014869.8); c.942C>T (NM_001134382.2).
Identifiers: ClinVar variation 2578935 (VCV002578935.27), dbSNP rs143222651, ClinGen allele CA2262392.
Genomic context (GRCh38, chr3:12,936,074, plus strand): 5'-GTGGGCCAGGGCCCAGTAGTCTGGGGCTGCGCCCCCAGCCCGTAGCCGCAGGTCCGACTC[G>A]GTGCTGGACGGCCGGTCCCCTGCCTGCGAGAGGGGCAGAGGGGGCGACAGCTCCTCCTCA-3'
Protein context (NP_001127854.1, residues 304-324): LSQAGDRPSS[Thr314=]ESDLRLRAGG

ClinVar aggregate classification (germline): Likely benign. Review status: criteria provided, multiple submitters, no conflicts (2 of 4 stars). 3 submissions from 3 submitters: Likely benign (2). 1 of the submissions does not count toward it. Last evaluated 2026-08-01.

Conditions:
IQSEC1-related disorder. Also called: IQSEC1-related condition.

Allele frequency attached by ClinVar (database versions not stated): 1000 Genomes Project 30x 0.00062; 1000 Genomes Project 0.00080; ExAC 0.00085; TOPMed 0.00109; gnomAD 0.00113; ESP Exome Variant Server 0.00116; gnomAD exomes 0.00192.
gnomAD v4.1: 2,944 of 1,608,550 alleles (0.18%); highest among the groups gnomAD compares: Non-Finnish European, 0.23%; 4 homozygotes.

Submissions (3):

CeGaT Center for Human Genetics Tuebingen
Classification: Likely benign. Last evaluated: 2026-08-01. Review status: criteria provided, single submitter. Criteria: CeGaT Center For Human Genetics Tuebingen Variant Classification Criteria Version 2. Collection method: clinical testing. Allele origin: germline. Affected: yes. Observed: 3 variant alleles.
Comment: IQSEC1: BP4, BP7

Blueprint Genetics
Classification: Likely benign. Last evaluated: 2024-11-12. Review status: criteria provided, single submitter. Criteria: ACMG Guidelines, 2015. Collection method: clinical testing. Allele origin: germline.

PreventionGenetics, part of Exact Sciences
Classification: Likely benign for IQSEC1-related condition. Last evaluated: 2020-04-29. Review status: no assertion criteria provided. Collection method: clinical testing. Allele origin: germline. Not counted in ClinVar's aggregate classification.
Comment: This variant is classified as likely benign based on ACMG/AMP sequence variant interpretation guidelines (Richards et al. 2015 PMID: 25741868, with internal and published modifications).